The following is an entry in ClinVar:

NM_024753.5(TTC21B):c.2430_2431insT (p.Val811fs)

Gene: TTC21B (tetratricopeptide repeat domain 21B; minus strand). Cytogenetic location: 2q24.3.
Variant type: Insertion.
Coding change: c.2430_2431insT on transcript NM_024753.5 (MANE Select); coding-DNA positions 2430 to 2431, T inserted.
Protein change: p.Val811fs; shifts the reading frame from valine 811.
Molecular consequence: frameshift variant.
Genome position: GRCh38 VCF-style: chr2-165911357-C-CA. GRCh37 (hg19) VCF-style: chr2-166767867-C-CA.
Other names: short protein forms V811fs.
Identifiers: ClinVar variation 4788105 (VCV004788105.1).

ClinVar aggregate classification (germline): Pathogenic (1 of 4 stars; one submission).

Conditions:
Jeune thoracic dystrophy. Also called: Short-rib thoracic dysplasia; Jeune syndrome; Infantile thoracic dystrophy; Thoracic pelvic phalangeal dystrophy; Jeune's syndrome; Chondroectodermal dysplasia-like syndrome. Identifiers: Orphanet 474, MedGen C0265275, MONDO:0018770.
Nephronophthisis. Also called: Juvenile Nephronophthisis. Identifiers: Orphanet 655, MedGen C0687120, MONDO:0019005, HP:0000090.

Submission:

Labcorp Genetics (formerly Invitae), Labcorp
Classification: Pathogenic for Jeune thoracic dystrophy; Nephronophthisis. Last evaluated: 2025-09-05. Review status: criteria provided, single submitter. Criteria: Invitae Variant Classification Sherloc (09022015). Collection method: clinical testing. Allele origin: germline.
Comment: This sequence change creates a premature translational stop signal (p.Val811Cysfs*9) in the TTC21B gene. It is expected to result in an absent or disrupted protein product. Loss-of-function variants in TTC21B are known to be pathogenic (PMID: 18327258, 21068128, 21258341, 23559409, 24876116, 25492405, 27491411, 29068549). This variant is not present in population databases (gnomAD no frequency). This variant has not been reported in the literature in individuals affected with TTC21B-related conditions. Algorithms developed to predict the effect of sequence changes on RNA splicing suggest that this variant may disrupt the consensus splice site. For these reasons, this variant has been classified as Pathogenic.

Literature cited by the submitters: PubMed 18327258; PubMed 21068128; PubMed 21258341; PubMed 23559409; PubMed 24876116; PubMed 25492405; PubMed 27491411; PubMed 29068549.